The following is an entry in ClinVar:

NM_018127.7(ELAC2):c.1692C>T (p.Arg564=)

Gene: ELAC2 (elaC ribonuclease Z 2; minus strand). Cytogenetic location: 17p12.
Variant type: single nucleotide variant.
Coding change: c.1692C>T on transcript NM_018127.7 (MANE Select); coding-DNA position 1692, C replaced by T.
Protein change: p.Arg564=; no amino-acid change (arginine 564 retained).
Molecular consequence: synonymous variant.
Genome position (GRCh38, 1-based): chr17:12,995,946, G>A on the plus strand (C>T on the coding strand, the complement: ELAC2 is on the minus strand). VCF-style: chr17-12995946-G-A. GRCh37 (hg19) VCF-style: chr17-12899263-G-A.
Other names: c.1572C>T, p.Arg524= (NM_001165962.2); c.1689C>T, p.Arg563= (NM_173717.2); c.1572C>T (NM_001165962.1).
Identifiers: ClinVar variation 382473 (VCV000382473.18), dbSNP rs117582762, ClinGen allele CA8401109.

ClinVar aggregate classification (germline): Benign/Likely benign. Review status: criteria provided, multiple submitters, no conflicts (2 of 4 stars). 6 submissions from 6 submitters: Benign (2); Likely benign (3). 1 of the submissions does not count toward it. Last evaluated 2026-01-31.

Conditions:
Combined oxidative phosphorylation defect type 17. Also called: Combined oxidative phosphorylation deficiency 17. Identifiers: Orphanet 369913, MedGen C3809526, MONDO:0014190, OMIM 615440.
ELAC2-related disorder. Also called: ELAC2-related condition.
Prostate cancer, hereditary, 2 (HPC2). Identifiers: Orphanet 1331, MedGen C3539120, MONDO:0013872, OMIM 614731.

Allele frequency attached by ClinVar (database versions not stated): ESP Exome Variant Server 0.00031; gnomAD 0.00041 and 0.00049; gnomAD exomes 0.00050 and 0.00136; TOPMed 0.00061; 1000 Genomes Project 30x 0.00062; 1000 Genomes Project 0.00080; ExAC 0.00233.
gnomAD v4.1: 789 of 1,596,304 alleles (0.049%); highest among the groups gnomAD compares: East Asian, 0.84%; 9 homozygotes.

Submissions (6):

Labcorp Genetics (formerly Invitae), Labcorp
Classification: Benign for Combined oxidative phosphorylation defect type 17. Last evaluated: 2026-01-31. Review status: criteria provided, single submitter. Criteria: Invitae Variant Classification Sherloc (09022015). Collection method: clinical testing. Allele origin: germline.

CeGaT Center for Human Genetics Tuebingen
Classification: Likely benign. Last evaluated: 2026-01-01. Review status: criteria provided, single submitter. Criteria: CeGaT Center For Human Genetics Tuebingen Variant Classification Criteria Version 2. Collection method: clinical testing. Allele origin: germline. Affected: yes. Observed: 1 variant allele.
Comment: ELAC2: BP4, BP7

KCCC/NGS Laboratory, Kuwait Cancer Control Center
Classification: Benign for Prostate cancer, hereditary, 2. Last evaluated: 2025-02-01. Review status: criteria provided, single submitter. Criteria: ACMG Guidelines, 2015. Collection method: clinical testing. Allele origin: germline. Affected: no.

Blueprint Genetics
Classification: Likely benign. Last evaluated: 2024-10-21. Review status: criteria provided, single submitter. Criteria: ACMG Guidelines, 2015. Collection method: clinical testing. Allele origin: germline.

GeneDx
Classification: Likely benign. Last evaluated: 2016-02-17. Review status: criteria provided, single submitter. Criteria: GeneDx Variant Classification (06012015). Collection method: clinical testing. Allele origin: germline. Affected: yes.
Comment: This variant is considered likely benign or benign based on one or more of the following criteria: it is a conservative change, it occurs at a poorly conserved position in the protein, it is predicted to be benign by multiple in silico algorithms, and/or has population frequency not consistent with disease.

PreventionGenetics, part of Exact Sciences
Classification: Likely benign for ELAC2-related condition. Last evaluated: 2024-02-28. Review status: no assertion criteria provided. Collection method: clinical testing. Allele origin: germline. Not counted in ClinVar's aggregate classification.
Comment: This variant is classified as likely benign based on ACMG/AMP sequence variant interpretation guidelines (Richards et al. 2015 PMID: 25741868, with internal and published modifications).